The following is an entry in ClinVar:

NM_003070.5(SMARCA2):c.4590C>T (p.Ser1530=)

Gene: SMARCA2 (SWI/SNF related BAF chromatin remodeling complex subunit ATPase 2; plus strand). Cytogenetic location: 9p24.3.
Variant type: single nucleotide variant.
Coding change: c.4590C>T on transcript NM_003070.5 (MANE Select); coding-DNA position 4590, C replaced by T.
Protein change: p.Ser1530=; no amino-acid change (serine 1530 retained).
Molecular consequence: synonymous variant.
Genome position (GRCh38, 1-based): chr9:2,186,224, C>T. VCF-style: chr9-2186224-C-T. GRCh37 (hg19) VCF-style: chr9-2186224-C-T.
Other names: p.Ser1530=; c.4590C>T, p.Ser1530= (NM_001289396.2); c.4362C>T, p.Ser1454= (NM_001289397.2); c.564C>T, p.Ser188= (NM_001289398.2); c.648C>T, p.Ser216= (NM_001289399.2); c.654C>T, p.Ser218= (NM_001289400.2); c.4536C>T, p.Ser1512= (NM_139045.4).
Identifiers: ClinVar variation 126347 (VCV000126347.26), dbSNP rs77070978, ClinGen allele CA151089.

ClinVar aggregate classification (germline): Benign. Review status: criteria provided, multiple submitters, no conflicts (2 of 4 stars). 7 submissions from 7 submitters: Benign (6). 1 of the submissions does not count toward it. Last evaluated 2026-02-03.

Conditions:
Inborn genetic diseases. Identifiers: MedGen C0950123, MeSH D030342.
Nicolaides-Baraitser syndrome (NCBRS). Also called: Intellectual disability-sparse hair-brachydactyly syndrome; SMARCA2-Related Nicolaides-Baraitser Syndrome. Identifiers: Orphanet 3051, MedGen C1303073, MONDO:0011053, OMIM 601358.

Allele frequency attached by ClinVar (database versions not stated): 1000 Genomes Project 0.00759; 1000 Genomes Project 30x 0.00796; gnomAD exomes 0.01017; TOPMed 0.01039; ExAC 0.01132; gnomAD 0.01166; ESP Exome Variant Server 0.01253.
gnomAD v4.1: 22,094 of 1,613,274 alleles (1.4%); highest among the groups gnomAD compares: Non-Finnish European, 1.6%; 186 homozygotes.

Submissions (7):

Labcorp Genetics (formerly Invitae), Labcorp
Classification: Benign. Last evaluated: 2026-02-03. Review status: criteria provided, single submitter. Criteria: Invitae Variant Classification Sherloc (09022015). Collection method: clinical testing. Allele origin: germline.

Mayo Clinic Laboratories, Mayo Clinic
Classification: Benign. Last evaluated: 2022-06-29. Review status: criteria provided, single submitter. Criteria: ACMG Guidelines, 2015. Collection method: clinical testing. Allele origin: germline. Observed: 8 variant alleles.
Comment: BS1, BS2, BP4, BP7

GeneDx
Classification: Benign. Last evaluated: 2021-10-15. Review status: criteria provided, single submitter. Criteria: GeneDx Variant Classification Process June 2021. Collection method: clinical testing. Allele origin: germline. Affected: yes.

Illumina Laboratory Services, Illumina
Classification: Benign for Nicolaides-Baraitser syndrome. Last evaluated: 2018-01-13. Review status: criteria provided, single submitter. Criteria: ICSL Variant Classification Criteria 13 December 2019. Collection method: clinical testing. Allele origin: germline.
Comment: This variant was observed in the ICSL laboratory as part of a predisposition screen in an ostensibly healthy population. It had not been previously curated by ICSL or reported in the Human Gene Mutation Database (HGMD: prior to June 1st, 2018), and was therefore a candidate for classification through an automated scoring system. Utilizing variant allele frequency, disease prevalence and penetrance estimates, and inheritance mode, an automated score was calculated to assess if this variant is too frequent to cause the disease. Based on the score and internal cut-off values, a variant classified as benign is not then subjected to further curation. The score for this variant resulted in a classification of benign for this disease.

Ambry Genetics
Classification: Benign for Inborn genetic diseases. Last evaluated: 2016-05-19. Review status: criteria provided, single submitter. Criteria: Ambry Variant Classification Scheme 2023. Collection method: clinical testing. Allele origin: germline.

Breakthrough Genomics
Classification: Benign. Review status: criteria provided, single submitter. Criteria: ACMG Guidelines, 2015. Collection method: not provided. Allele origin: germline. Inheritance: Autosomal dominant inheritance. Affected: yes.

Genetic Services Laboratory, University of Chicago
Classification: Likely benign for AllHighlyPenetrant. Review status: no assertion criteria provided. Collection method: clinical testing. Allele origin: germline. Inheritance: Autosomal dominant inheritance. Observed: 2 variant alleles. Not counted in ClinVar's aggregate classification.
Comment: Likely benign based on allele frequency in 1000 Genomes Project or ESP global frequency and its presence in a patient with a rare or unrelated disease phenotype. NOT Sanger confirmed.